The following is an entry in ClinVar:

ClinVar aggregate classification (germline): Likely pathogenic (1 of 4 stars; one submission).

Conditions:
Autosomal recessive limb-girdle muscular dystrophy type 2J (LGMDR10). Also called: MUSCULAR DYSTROPHY, LIMB-GIRDLE, AUTOSOMAL RECESSIVE 10; Limb-girdle muscular dystrophy, type 2J. Identifiers: Orphanet 140922, MedGen C1837342, MONDO:0012127, OMIM 608807.
Dilated cardiomyopathy 1G (CMD1G). Identifiers: Orphanet 154, MedGen C1858763, MONDO:0011400, OMIM 604145.

Submission:

Labcorp Genetics (formerly Invitae), Labcorp
Classification: Likely pathogenic for Dilated cardiomyopathy 1G; Autosomal recessive limb-girdle muscular dystrophy type 2J. Last evaluated: 2019-12-24. Review status: criteria provided, single submitter. Criteria: Invitae Variant Classification Sherloc (09022015). Collection method: clinical testing. Allele origin: germline.
Comment: In summary, the currently available evidence indicates that the variant is pathogenic, but additional data are needed to prove that conclusively. Therefore, this variant has been classified as Likely Pathogenic. This variant is located in the A band of TTN (PMID: 25589632). Truncating variants in this region are significantly overrepresented in patients affected with dilated cardiomyopathy (PMID: 25589632). Truncating variants in this region have also been reported in individuals affected with autosomal recessive centronuclear myopathy (PMID: 23975875). This variant has not been reported in the literature in individuals with TTN-related conditions. This variant is not present in population databases (ExAC no frequency). This sequence change results in a premature translational stop signal in the TTN gene (p.Glu29010Asnfs*14). While this is not anticipated to result in nonsense mediated decay, it is expected to create a truncated TTN protein.

Literature cited by the submitters: PubMed 25589632; PubMed 23975875.

NM_001267550.2(TTN):c.87028del (p.Glu29010fs)

Genes: TTN (titin; minus strand), TTN-AS1 (TTN antisense RNA 1; plus strand). Cytogenetic location: 2q31.2.
Variant type: Deletion.
Coding change: c.87028del on transcript NM_001267550.2 (MANE Select); coding-DNA position 87028, one base deleted (G; older notation c.87028delG).
Protein change: p.Glu29010fs; shifts the reading frame from glutamic acid 29010.
Molecular consequence: frameshift variant.
Genome position (GRCh38, 1-based): chr2:178,558,431, C deleted on the plus strand (G on the coding strand, the reverse complement: TTN is on the minus strand). VCF-style (leftmost placement, unchanged base first): chr2-178558430-TC-T. GRCh37 (hg19) VCF-style: chr2-179423157-TC-T.
Other names: c.82105del, p.Glu27369fs (NM_001256850.1); c.59833del, p.Glu19945fs (NM_003319.4); c.79324del, p.Glu26442fs (NM_133378.4); c.60208del, p.Glu20070fs (NM_133432.3); c.60409del, p.Glu20137fs (NM_133437.4); short protein forms E20070fs, E26442fs, E20137fs, E19945fs, E27369fs, E29010fs.
Identifiers: ClinVar variation 849393 (VCV000849393.12), dbSNP rs1702337235, ClinGen allele CA916081330.